The following is an entry in ClinVar:

ClinVar aggregate classification (germline): Uncertain significance (1 of 4 stars; one submission).

Conditions:
Hereditary cancer-predisposing syndrome. Also called: Neoplastic Syndromes, Hereditary; Tumor predisposition; Hereditary Cancer Syndrome; Hereditary neoplastic syndrome. Identifiers: Orphanet 140162, MedGen C0027672, MeSH D009386, MONDO:0015356.

Submission:

Color Diagnostics, LLC DBA Color Health
Classification: Uncertain significance for Hereditary cancer-predisposing syndrome. Last evaluated: 2019-10-01. Review status: criteria provided, single submitter. Criteria: ACMG Guidelines, 2015. Collection method: clinical testing. Allele origin: germline.
Comment: This variant is located in the 3' untranslated region of the SMAD4 gene. To our knowledge, functional studies have not been performed for this variant. This variant has not been reported in individuals affected with hereditary cancer in the literature. This variant has not been identified in the general population by the Genome Aggregation Database (gnomAD). The available evidence is insufficient to determine the role of this variant in disease conclusively. Therefore, this variant is classified as a Variant of Uncertain Significance.

NM_005359.6(SMAD4):c.*19C>T

Gene: SMAD4 (SMAD family member 4; plus strand). Cytogenetic location: 18q21.2.
Variant type: single nucleotide variant.
Coding change: c.*19C>T on transcript NM_005359.6 (MANE Select); 19 bases downstream of the stop codon, C replaced by T.
Molecular consequence: 3 prime UTR variant.
Genome position (GRCh38, 1-based): chr18:51,078,486, C>T. VCF-style: chr18-51078486-C-T. GRCh37 (hg19) VCF-style: chr18-48604856-C-T.
Identifiers: ClinVar variation 924821 (VCV000924821.3), dbSNP rs1910529445, ClinGen allele CA1139666074.